The following is an entry in ClinVar:

ClinVar aggregate classification (germline): Uncertain significance. Review status: criteria provided, multiple submitters, no conflicts (2 of 4 stars). 3 submissions from 3 submitters: Uncertain significance (3). Last evaluated 2025-12-22.

Conditions:
Breast-ovarian cancer, familial, susceptibility to, 4. Identifiers: Orphanet 145, MedGen C3280345, MONDO:0013669, OMIM 614291.
Hereditary cancer-predisposing syndrome. Also called: Tumor predisposition; Hereditary neoplastic syndrome; Hereditary Cancer Syndrome; Neoplastic Syndromes, Hereditary. Identifiers: Orphanet 140162, MedGen C0027672, MeSH D009386, MONDO:0015356.

Submissions (3):

Ambry Genetics
Classification: Uncertain significance for Hereditary cancer-predisposing syndrome. Last evaluated: 2025-12-22. Review status: criteria provided, single submitter. Criteria: Ambry Variant Classification Scheme 2023. Collection method: clinical testing. Allele origin: germline.
Comment: The p.A263T variant (also known as c.787G>A), located in coding exon 9 of the RAD51D gene, results from a G to A substitution at nucleotide position 787. The alanine at codon 263 is replaced by threonine, an amino acid with similar properties. This amino acid position is conserved. In addition, the in silico prediction for this alteration is inconclusive. Based on the available evidence, the clinical significance of this variant remains unclear.

Color Diagnostics, LLC DBA Color Health
Classification: Uncertain significance for Hereditary cancer-predisposing syndrome. Last evaluated: 2023-08-23. Review status: criteria provided, single submitter. Criteria: ACMG Guidelines, 2015. Collection method: clinical testing. Allele origin: germline.
Comment: This missense variant replaces alanine with threonine at codon 263 of the RAD51D protein. Computational prediction suggests that this variant may not impact protein structure and function (internally defined REVEL score threshold <= 0.5, PMID: 27666373). To our knowledge, functional studies have not been reported for this variant. This variant has not been reported in individuals affected with RAD51D-related disorders in the literature. This variant has not been identified in the general population by the Genome Aggregation Database (gnomAD). The available evidence is insufficient to determine the role of this variant in disease conclusively. Therefore, this variant is classified as a Variant of Uncertain Significance.

Labcorp Genetics (formerly Invitae), Labcorp
Classification: Uncertain significance for Breast-ovarian cancer, familial, susceptibility to, 4. Last evaluated: 2023-07-06. Review status: criteria provided, single submitter. Criteria: Invitae Variant Classification Sherloc (09022015). Collection method: clinical testing. Allele origin: germline.
Comment: This sequence change replaces alanine, which is neutral and non-polar, with threonine, which is neutral and polar, at codon 263 of the RAD51D protein (p.Ala263Thr). In summary, the available evidence is currently insufficient to determine the role of this variant in disease. Therefore, it has been classified as a Variant of Uncertain Significance. Advanced modeling of protein sequence and biophysical properties (such as structural, functional, and spatial information, amino acid conservation, physicochemical variation, residue mobility, and thermodynamic stability) performed at Invitae indicates that this missense variant is not expected to disrupt RAD51D protein function. ClinVar contains an entry for this variant (Variation ID: 923498). This variant has not been reported in the literature in individuals affected with RAD51D-related conditions. This variant is not present in population databases (gnomAD no frequency).

NM_002878.4(RAD51D):c.787G>A (p.Ala263Thr)

Genes: RAD51D (RAD51 paralog D; minus strand), RAD51L3-RFFL (RAD51L3-RFFL readthrough; minus strand). Cytogenetic location: 17q12.
Variant type: single nucleotide variant.
Coding change: c.787G>A on transcript NM_002878.4 (MANE Select); coding-DNA position 787, G replaced by A.
Protein change: p.Ala263Thr; replaces alanine 263 with threonine.
Molecular consequence: missense variant. On other transcripts: non-coding transcript variant (3).
Genome position (GRCh38, 1-based): chr17:35,101,317, C>T on the plus strand (G>A on the coding strand, the complement: RAD51D is on the minus strand). VCF-style: chr17-35101317-C-T. GRCh37 (hg19) VCF-style: chr17-33428336-C-T.
Other names: c.847G>A, p.Ala283Thr (NM_001142571.2); c.451G>A, p.Ala151Thr (NM_133629.3); short protein forms A263T, A151T, A283T.
Identifiers: ClinVar variation 923498 (VCV000923498.8), dbSNP rs1555567161, ClinGen allele CA399086835.